The following is an entry in ClinVar:

ClinVar aggregate classification (germline): Uncertain significance. Review status: criteria provided, multiple submitters, no conflicts (2 of 4 stars). 3 submissions from 3 submitters: Uncertain significance (3). Last evaluated 2024-03-12.

Conditions:
Cardiovascular phenotype. Identifiers: MedGen CN230736.
Hereditary cancer-predisposing syndrome. Also called: Neoplastic Syndromes, Hereditary; Tumor predisposition; Hereditary neoplastic syndrome; Hereditary Cancer Syndrome. Identifiers: Orphanet 140162, MedGen C0027672, MeSH D009386, MONDO:0015356.
LZTR1-related schwannomatosis. Also called: Schwannomatosis 2; Schwannomatosis-2, susceptibility to. Identifiers: Orphanet 93921, MedGen C3810283, MONDO:0014299, OMIM 615670.

Submissions (3):

Baylor Genetics
Classification: Uncertain significance for LZTR1-related schwannomatosis. Last evaluated: 2024-03-12. Review status: criteria provided, single submitter. Criteria: ACMG Guidelines, 2015. Collection method: clinical testing. Allele origin: unknown.

Labcorp Genetics (formerly Invitae), Labcorp
Classification: Uncertain significance. Last evaluated: 2023-12-25. Review status: criteria provided, single submitter. Criteria: Invitae Variant Classification Sherloc (09022015). Collection method: clinical testing. Allele origin: germline.
Comment: This sequence change replaces glycine, which is neutral and non-polar, with valine, which is neutral and non-polar, at codon 8 of the LZTR1 protein (p.Gly8Val). This variant is not present in population databases (gnomAD no frequency). This variant has not been reported in the literature in individuals affected with LZTR1-related conditions. Advanced modeling of protein sequence and biophysical properties (such as structural, functional, and spatial information, amino acid conservation, physicochemical variation, residue mobility, and thermodynamic stability) has been performed at Invitae for this missense variant, however the output from this modeling did not meet the statistical confidence thresholds required to predict the impact of this variant on LZTR1 protein function. In summary, the available evidence is currently insufficient to determine the role of this variant in disease. Therefore, it has been classified as a Variant of Uncertain Significance.

Ambry Genetics
Classification: Uncertain significance for Cardiovascular phenotype; Hereditary cancer-predisposing syndrome. Last evaluated: 2023-12-10. Review status: criteria provided, single submitter. Criteria: Ambry Variant Classification Scheme 2023. Collection method: clinical testing. Allele origin: germline.
Comment: The p.G8V variant (also known as c.23G>T), located in coding exon 1 of the LZTR1 gene, results from a G to T substitution at nucleotide position 23. The glycine at codon 8 is replaced by valine, an amino acid with dissimilar properties. This amino acid position is conserved. In addition, this alteration is predicted to be tolerated by in silico analysis. Since supporting evidence is limited at this time, the clinical significance of this alteration remains unclear.

NM_006767.4(LZTR1):c.23G>T (p.Gly8Val)

Genes: LZTR1 (leucine zipper like post translational regulator 1; plus strand), LOC130067016 (ATAC-STARR-seq lymphoblastoid silent region 13504; plus strand). Cytogenetic location: 22q11.21.
Variant type: single nucleotide variant.
Coding change: c.23G>T on transcript NM_006767.4 (MANE Select); coding-DNA position 23, G replaced by T.
Protein change: p.Gly8Val; replaces glycine 8 with valine.
Molecular consequence: missense variant.
Genome position (GRCh38, 1-based): chr22:20,982,394, G>T. VCF-style: chr22-20982394-G-T. GRCh37 (hg19) VCF-style: chr22-21336683-G-T.
Other names: c.23G>T (NM_006767.3); short protein forms G8V.
Identifiers: ClinVar variation 2727091 (VCV002727091.5), dbSNP rs764439278, ClinGen allele CA410777455.